The following is an entry in ClinVar:

NM_004990.4(MARS1):c.389G>C (p.Arg130Pro)

Gene: MARS1 (methionyl-tRNA synthetase 1; plus strand). Cytogenetic location: 12q13.3.
Variant type: single nucleotide variant.
Coding change: c.389G>C on transcript NM_004990.4 (MANE Select); coding-DNA position 389, G replaced by C.
Protein change: p.Arg130Pro; replaces arginine 130 with proline.
Molecular consequence: missense variant.
Genome position (GRCh38, 1-based): chr12:57,489,533, G>C. VCF-style: chr12-57489533-G-C. GRCh37 (hg19) VCF-style: chr12-57883316-G-C.
Other names: short protein forms R130P.
Identifiers: ClinVar variation 2086310 (VCV002086310.4), dbSNP rs779129819, ClinGen allele CA385491415.

ClinVar aggregate classification (germline): Uncertain significance (1 of 4 stars; one submission).

Conditions:
Severe early-onset pulmonary alveolar proteinosis due to MARS deficiency. Also called: PULMONARY ALVEOLAR PROTEINOSIS, REUNION ISLAND; Interstitial lung and liver disease. Identifiers: Orphanet 440427, MedGen C4225400, MONDO:0014206, OMIM 615486.
Charcot-Marie-Tooth disease axonal type 2U. Also called: CHARCOT-MARIE-TOOTH NEUROPATHY, TYPE 2U; CHARCOT-MARIE-TOOTH DISEASE, AXONAL, AUTOSOMAL DOMINANT, TYPE 2U. Identifiers: Orphanet 397735, MedGen C4084821, MONDO:0014566, OMIM 616280.

Submission:

Labcorp Genetics (formerly Invitae), Labcorp
Classification: Uncertain significance for Charcot-Marie-Tooth disease axonal type 2U; Severe early-onset pulmonary alveolar proteinosis due to MARS deficiency. Last evaluated: 2022-01-16. Review status: criteria provided, single submitter. Criteria: Invitae Variant Classification Sherloc (09022015). Collection method: clinical testing. Allele origin: germline.
Comment: Algorithms developed to predict the effect of missense changes on protein structure and function are either unavailable or do not agree on the potential impact of this missense change (SIFT: "Deleterious"; PolyPhen-2: "Benign"; Align-GVGD: "Class C0"). This variant has not been reported in the literature in individuals affected with MARS-related conditions. This variant is not present in population databases (gnomAD no frequency). This sequence change replaces arginine, which is basic and polar, with proline, which is neutral and non-polar, at codon 130 of the MARS protein (p.Arg130Pro). In summary, the available evidence is currently insufficient to determine the role of this variant in disease. Therefore, it has been classified as a Variant of Uncertain Significance.